The following is an entry in ClinVar:

NM_021930.6(RINT1):c.889C>T (p.Pro297Ser)

Gene: RINT1 (RAD50 interactor 1; plus strand). Cytogenetic location: 7q22.3.
Variant type: single nucleotide variant.
Coding change: c.889C>T on transcript NM_021930.6 (MANE Select); coding-DNA position 889, C replaced by T.
Protein change: p.Pro297Ser; replaces proline 297 with serine.
Molecular consequence: missense variant. On other transcripts: 5 prime UTR variant (2), non-coding transcript variant (1), intron variant (1).
Genome position (GRCh38, 1-based): chr7:105,548,603, C>T. VCF-style: chr7-105548603-C-T. GRCh37 (hg19) VCF-style: chr7-105189050-C-T.
Other names: c.655C>T, p.Pro219Ser (NM_001346599.2); c.-131C>T (NM_001346600.2); c.-36C>T (NM_001346601.2); c.-27-1452C>T (NM_001346603.2); short protein forms P219S, P297S.
Identifiers: ClinVar variation 863853 (VCV000863853.14), dbSNP rs923511488, ClinGen allele CA164056508.

ClinVar aggregate classification (germline): Uncertain significance. Review status: criteria provided, multiple submitters, no conflicts (2 of 4 stars). 3 submissions from 3 submitters: Uncertain significance (3). Last evaluated 2025-03-01.

Allele frequency attached by ClinVar (database versions not stated): gnomAD exomes below 0.00001; gnomAD 0.00001; TOPMed 0.00001.
gnomAD v4.1: 16 of 1,614,030 alleles (0.00099%); highest among the groups gnomAD compares: Non-Finnish European, 0.0014%; no homozygotes.

Submissions (3):

Ambry Genetics
Classification: Uncertain significance. Last evaluated: 2025-03-01. Review status: criteria provided, single submitter. Criteria: Ambry Variant Classification Scheme 2023. Collection method: clinical testing. Allele origin: germline.
Comment: The p.P297S variant (also known as c.889C>T), located in coding exon 7 of the RINT1 gene, results from a C to T substitution at nucleotide position 889. The proline at codon 297 is replaced by serine, an amino acid with similar properties. This amino acid position is conserved. In addition, this alteration is predicted to be tolerated by in silico analysis. Since supporting evidence is limited at this time, the clinical significance of this alteration remains unclear.

GeneDx
Classification: Uncertain significance. Last evaluated: 2024-01-02. Review status: criteria provided, single submitter. Criteria: GeneDx Variant Classification Process June 2021. Collection method: clinical testing. Allele origin: germline. Affected: yes.
Comment: In silico analysis supports that this missense variant does not alter protein structure/function; In silico analysis is inconclusive as to whether the variant alters gene splicing. In the absence of RNA/functional studies, the actual effect of this sequence change is unknown.; Has not been previously published as pathogenic or benign to our knowledge

Labcorp Genetics (formerly Invitae), Labcorp
Classification: Uncertain significance. Last evaluated: 2019-01-25. Review status: criteria provided, single submitter. Criteria: Invitae Variant Classification Sherloc (09022015). Collection method: clinical testing. Allele origin: germline.
Comment: In summary, the available evidence is currently insufficient to determine the role of this variant in disease. Therefore, it has been classified as a Variant of Uncertain Significance. Algorithms developed to predict the effect of missense changes on protein structure and function (SIFT, PolyPhen-2, Align-GVGD) all suggest that this variant is likely to be tolerated, but these predictions have not been confirmed by published functional studies and their clinical significance is uncertain. This variant has not been reported in the literature in individuals with RINT1-related conditions. This variant is not present in population databases (ExAC no frequency). This sequence change replaces proline with serine at codon 297 of the RINT1 protein (p.Pro297Ser). The proline residue is moderately conserved and there is a moderate physicochemical difference between proline and serine.